The following is an entry in ClinVar:

ClinVar aggregate classification (germline): Uncertain significance (1 of 4 stars; one submission).

gnomAD v4.1: 13 of 1,614,244 alleles (0.00081%); highest among the groups gnomAD compares: South Asian, 0.014%; no homozygotes.

Submission:

Labcorp Genetics (formerly Invitae), Labcorp
Classification: Uncertain significance. Last evaluated: 2024-04-25. Review status: criteria provided, single submitter. Criteria: Invitae Variant Classification Sherloc (09022015). Collection method: clinical testing. Allele origin: germline.
Comment: This sequence change replaces glutamic acid, which is acidic and polar, with valine, which is neutral and non-polar, at codon 1457 of the LAMB1 protein (p.Glu1457Val). This variant is present in population databases (rs751675795, gnomAD 0.006%). This variant has not been reported in the literature in individuals affected with LAMB1-related conditions. An algorithm developed to predict the effect of missense changes on protein structure and function (PolyPhen-2) suggests that this variant is likely to be disruptive. In summary, the available evidence is currently insufficient to determine the role of this variant in disease. Therefore, it has been classified as a Variant of Uncertain Significance.

NM_002291.3(LAMB1):c.4370A>T (p.Glu1457Val)

Gene: LAMB1 (laminin subunit beta 1; minus strand). Cytogenetic location: 7q31.1.
Variant type: single nucleotide variant.
Coding change: c.4370A>T on transcript NM_002291.3 (MANE Select); coding-DNA position 4370, A replaced by T.
Protein change: p.Glu1457Val; replaces glutamic acid 1457 with valine.
Molecular consequence: missense variant.
Genome position (GRCh38, 1-based): chr7:107,932,196, T>A on the plus strand (A>T on the coding strand, the complement: LAMB1 is on the minus strand). VCF-style: chr7-107932196-T-A. GRCh37 (hg19) VCF-style: chr7-107572641-T-A.
Other names: short protein forms E1457V.
Identifiers: ClinVar variation 3701944 (VCV003701944.2).